The following is an entry in ClinVar:

ClinVar aggregate classification (germline): Uncertain significance (1 of 4 stars; one submission).

Submission:

Labcorp Genetics (formerly Invitae), Labcorp
Classification: Uncertain significance. Last evaluated: 2022-05-03. Review status: criteria provided, single submitter. Criteria: Invitae Variant Classification Sherloc (09022015). Collection method: clinical testing. Allele origin: germline.
Comment: This variant is not present in population databases (gnomAD no frequency). This sequence change replaces serine, which is neutral and polar, with cysteine, which is neutral and slightly polar, at codon 588 of the FBXL4 protein (p.Ser588Cys). In summary, the available evidence is currently insufficient to determine the role of this variant in disease. Therefore, it has been classified as a Variant of Uncertain Significance. Advanced modeling of protein sequence and biophysical properties (such as structural, functional, and spatial information, amino acid conservation, physicochemical variation, residue mobility, and thermodynamic stability) performed at Invitae indicates that this missense variant is not expected to disrupt FBXL4 protein function. This variant has not been reported in the literature in individuals affected with FBXL4-related conditions.

NM_001278716.2(FBXL4):c.1763C>G (p.Ser588Cys)

Gene: FBXL4 (F-box and leucine rich repeat protein 4; minus strand). Cytogenetic location: 6q16.1.
Variant type: single nucleotide variant.
Coding change: c.1763C>G on transcript NM_001278716.2 (MANE Select); coding-DNA position 1763, C replaced by G.
Protein change: p.Ser588Cys; replaces serine 588 with cysteine.
Molecular consequence: missense variant. On other transcripts: non-coding transcript variant (1).
Genome position (GRCh38, 1-based): chr6:98,874,381, G>C on the plus strand (C>G on the coding strand, the complement: FBXL4 is on the minus strand). VCF-style: chr6-98874381-G-C. GRCh37 (hg19) VCF-style: chr6-99322257-G-C.
Other names: c.1763C>G, p.Ser588Cys (NM_012160.5); short protein forms S588C.
Identifiers: ClinVar variation 2132761 (VCV002132761.4), dbSNP rs2534892108, ClinGen allele CA365084852.
Genomic context (GRCh38, chr6:98,874,381, plus strand): 5'-GCATTCAGTTCTAGCACAGCTCTGTTATCAATCTGCGAACAGAAGGACACATCAAGTAAA[G>C]AAAGATCTTTACAAGATTCCAGGAGTTTTCTTAAGGATGCCGGACTTACCATTCTTGTTC-3'
Protein context (NP_001265645.1, residues 578-598): RKLLESCKDL[Ser588Cys]LLDVSFCSQI